The following is an entry in ClinVar:

ClinVar aggregate classification (germline): Pathogenic (1 of 4 stars; one submission).

Submission:

GeneDx
Classification: Pathogenic. Last evaluated: 2024-08-01. Review status: criteria provided, single submitter. Criteria: GeneDx Variant Classification Process June 2021. Collection method: clinical testing. Allele origin: germline. Affected: yes.
Comment: Damages or destroys the splice donor site in intron 21, and is expected to cause abnormal gene splicing; if the splice outcome is exon skip, the loss of the encoded residues in the triple helical region is expected to disrupt normal protein folding and function, and this is an established mechanism of disease (HGMD); Not observed at significant frequency in large population cohorts (gnomAD); This variant is associated with the following publications: (PMID: 16879195, 30886339)

NM_000088.4(COL1A1):c.1461+1G>C

Gene: COL1A1 (collagen type I alpha 1 chain; minus strand). Cytogenetic location: 17q21.33.
Variant type: single nucleotide variant.
Coding change: c.1461+1G>C on transcript NM_000088.4 (MANE Select); the canonical splice donor site of the intron after coding-DNA position 1461, G replaced by C.
Molecular consequence: splice donor variant.
Genome position (GRCh38, 1-based): chr17:50,194,720, C>G on the plus strand (G>C on the coding strand, the complement: COL1A1 is on the minus strand). VCF-style: chr17-50194720-C-G. GRCh37 (hg19) VCF-style: chr17-48272081-C-G.
Identifiers: ClinVar variation 3602177 (VCV003602177.1).